The following is an entry in ClinVar:

ClinVar aggregate classification (germline): Uncertain significance (1 of 4 stars; one submission).

gnomAD v4.1: 1 of 1,613,690 alleles (0.000062%); highest among the groups gnomAD compares: Non-Finnish European, 0.000085%; no homozygotes.

Submission:

Mayo Clinic Laboratories, Mayo Clinic
Classification: Uncertain significance. Last evaluated: 2025-09-15. Review status: criteria provided, single submitter. Criteria: ACMG Guidelines, 2015. Collection method: clinical testing. Allele origin: germline. Observed: 1 variant allele.
Comment: PM2_supporting

NM_001040716.2(PC):c.853C>G (p.Pro285Ala)

Gene: PC (pyruvate carboxylase; minus strand). Cytogenetic location: 11q13.2.
Variant type: single nucleotide variant.
Coding change: c.853C>G on transcript NM_001040716.2 (MANE Select); coding-DNA position 853, C replaced by G.
Protein change: p.Pro285Ala; replaces proline 285 with alanine.
Molecular consequence: missense variant.
Genome position (GRCh38, 1-based): chr11:66,870,352, G>C on the plus strand (C>G on the coding strand, the complement: PC is on the minus strand). VCF-style: chr11-66870352-G-C. GRCh37 (hg19) VCF-style: chr11-66637823-G-C.
Other names: p.Pro285Ala; c.853C>G, p.Pro285Ala (NM_000920.4, NM_001439352.1, NM_001439353.1 and 5 more transcripts); short protein forms P285A.
Identifiers: ClinVar variation 4541641 (VCV004541641.1).
Genomic context (GRCh38, chr11:66,870,352, plus strand): 5'-CACCCTTCACCTGTTTAGCGAGTTTCACAGAGTCGCTGGTGAGCCGAGTCCGAAGCTGCG[G>C]GTCCAGGTGGGCGGCGGGGGCAATCTCGACCACCTTCTGGTGCCGCCGCTGGATGGAGCA-3'
Protein context (NP_001035806.1, residues 275-295): VEIAPAAHLD[Pro285Ala]QLRTRLTSDS